The following is an entry in ClinVar:

NM_007332.3(TRPA1):c.2124C>T (p.Leu708=)

Genes: MSC-AS1 (MSC antisense RNA 1; plus strand), TRPA1 (transient receptor potential cation channel subfamily A member 1; minus strand). Cytogenetic location: 8q21.11.
Variant type: single nucleotide variant.
Coding change: c.2124C>T on transcript NM_007332.3 (MANE Select); coding-DNA position 2124, C replaced by T.
Protein change: p.Leu708=; no amino-acid change (leucine 708 retained).
Molecular consequence: synonymous variant.
Genome position (GRCh38, 1-based): chr8:72,039,735, G>A on the plus strand (C>T on the coding strand, the complement: TRPA1 is on the minus strand). VCF-style: chr8-72039735-G-A. GRCh37 (hg19) VCF-style: chr8-72951970-G-A.
Identifiers: ClinVar variation 3045549 (VCV003045549.2), dbSNP rs137952936, ClinGen allele CA4780607.

ClinVar aggregate classification (germline): Likely benign (0 of 4 stars; one submission).

Conditions:
TRPA1-related disorder. Also called: TRPA1-related condition.

Allele frequency attached by ClinVar (database versions not stated): ExAC 0.00037; 1000 Genomes Project 30x 0.00094; 1000 Genomes Project 0.00100; ESP Exome Variant Server 0.00123; gnomAD 0.00135; TOPMed 0.00141.

Submission:

PreventionGenetics, part of Exact Sciences
Classification: Likely benign for TRPA1-related condition. Last evaluated: 2019-12-03. Review status: no assertion criteria provided. Collection method: clinical testing. Allele origin: germline.
Comment: This variant is classified as likely benign based on ACMG/AMP sequence variant interpretation guidelines (Richards et al. 2015 PMID: 25741868, with internal and published modifications).